The following is an entry in ClinVar:

NM_001347721.2(DYRK1A):c.2096C>A (p.Pro699His)

Gene: DYRK1A (dual specificity tyrosine phosphorylation regulated kinase 1A; plus strand). Cytogenetic location: 21q22.13.
Variant type: single nucleotide variant.
Coding change: c.2096C>A on transcript NM_001347721.2 (MANE Select); coding-DNA position 2096, C replaced by A.
Protein change: p.Pro699His; replaces proline 699 with histidine.
Molecular consequence: missense variant. On other transcripts: 3 prime UTR variant (2).
Genome position (GRCh38, 1-based): chr21:37,512,362, C>A. VCF-style: chr21-37512362-C-A. GRCh37 (hg19) VCF-style: chr21-38884665-C-A.
Other names: c.2123C>A (NM_001396.3); c.2096C>A, p.Pro699His (NM_001347722.2, NM_130436.2); c.2009C>A, p.Pro670His (NM_001347723.2); c.2123C>A, p.Pro708His (NM_001396.5); c.*499C>A (NM_101395.2); c.*408C>A (NM_130438.2); short protein forms P699H, P708H, P670H.
Identifiers: ClinVar variation 1508501 (VCV001508501.7), dbSNP rs910495553, ClinGen allele CA320469980.

ClinVar aggregate classification (germline): Uncertain significance. Review status: criteria provided, multiple submitters, no conflicts (2 of 4 stars). 2 submissions from 2 submitters: Uncertain significance (2). Last evaluated 2025-11-05.

Conditions:
Inborn genetic diseases. Identifiers: MedGen C0950123, MeSH D030342.
DYRK1A-related intellectual disability syndrome (MRD7). Also called: Intellectual developmental disorder, autosomal dominant 7; DYRK1A Syndrome. Identifiers: Orphanet 464306, MedGen C5568143, MONDO:0013578, OMIM 614104.

Allele frequency attached by ClinVar (database versions not stated): gnomAD exomes below 0.00001; gnomAD 0.00001; TOPMed 0.00001.
gnomAD v4.1: 6 of 1,614,082 alleles (0.00037%); highest among the groups gnomAD compares: African/African-American, 0.008%; no homozygotes.

Submissions (2):

Ambry Genetics
Classification: Uncertain significance for Inborn genetic diseases. Last evaluated: 2025-11-05. Review status: criteria provided, single submitter. Criteria: Ambry Variant Classification Scheme 2023. Collection method: clinical testing. Allele origin: germline.
Comment: The c.2123C>A (p.P708H) alteration is located in exon 11 (coding exon 11) of the DYRK1A gene. This alteration results from a C to A substitution at nucleotide position 2123, causing the proline (P) at amino acid position 708 to be replaced by a histidine (H). Based on data from gnomAD, the A allele has an overall frequency of <0.001% (1/251480) total alleles studied. The highest observed frequency was 0.006% (1/16256) of African alleles. Based on insufficient or conflicting evidence, the clinical significance of this alteration remains unclear.

Labcorp Genetics (formerly Invitae), Labcorp
Classification: Uncertain significance for DYRK1A-related intellectual disability syndrome. Last evaluated: 2024-06-17. Review status: criteria provided, single submitter. Criteria: Invitae Variant Classification Sherloc (09022015). Collection method: clinical testing. Allele origin: germline.
Comment: This sequence change replaces proline, which is neutral and non-polar, with histidine, which is basic and polar, at codon 708 of the DYRK1A protein (p.Pro708His). This variant is not present in population databases (gnomAD no frequency). This variant has not been reported in the literature in individuals affected with DYRK1A-related conditions. ClinVar contains an entry for this variant (Variation ID: 1508501). An algorithm developed to predict the effect of missense changes on protein structure and function (PolyPhen-2) suggests that this variant is likely to be disruptive. In summary, the available evidence is currently insufficient to determine the role of this variant in disease. Therefore, it has been classified as a Variant of Uncertain Significance.